The following is an entry in ClinVar:

ClinVar aggregate classification (germline): Benign/Likely benign. Review status: criteria provided, multiple submitters, no conflicts (2 of 4 stars). 3 submissions from 3 submitters: Benign (1); Likely benign (2). Last evaluated 2026-06-03.

Conditions:
Hereditary cancer-predisposing syndrome. Also called: Tumor predisposition; Neoplastic Syndromes, Hereditary; Hereditary neoplastic syndrome; Hereditary Cancer Syndrome. Identifiers: Orphanet 140162, MedGen C0027672, MeSH D009386, MONDO:0015356.
Gastrointestinal stromal tumor. Also called: Gastrointestinal stromal tumor, somatic; Gastrointestinal stroma tumor. Identifiers: Orphanet 44890, MedGen C0238198, MeSH D046152, MONDO:0011719, OMIM 606764, HP:0100723.

Allele frequency attached by ClinVar (database versions not stated): ExAC 0.00003; gnomAD exomes 0.00004 and 0.00002.
gnomAD v4.1: 26 of 1,613,930 alleles (0.0016%); highest among the groups gnomAD compares: South Asian, 0.029%; no homozygotes.

Submissions (3):

Myriad Genetics, Inc.
Classification: Benign for Gastrointestinal stromal tumor. Last evaluated: 2026-06-03. Review status: criteria provided, single submitter. Criteria: Myriad Autosomal Dominant, Autosomal Recessive and X-Linked Classification Criteria (2023). Collection method: clinical testing. Allele origin: unknown.
Comment: This variant is considered benign. This variant is a silent/synonymous amino acid change and it is not expected to impact splicing.

Labcorp Genetics (formerly Invitae), Labcorp
Classification: Likely benign for Gastrointestinal stromal tumor. Last evaluated: 2025-05-12. Review status: criteria provided, single submitter. Criteria: Invitae Variant Classification Sherloc (09022015). Collection method: clinical testing. Allele origin: germline.

Ambry Genetics
Classification: Likely benign for Hereditary cancer-predisposing syndrome. Last evaluated: 2022-12-05. Review status: criteria provided, single submitter. Criteria: Ambry Variant Classification Scheme 2023. Collection method: clinical testing. Allele origin: germline.

NM_000222.3(KIT):c.891A>G (p.Gly297=)

Gene: KIT (KIT proto-oncogene, receptor tyrosine kinase; plus strand). Cytogenetic location: 4q12.
Variant type: single nucleotide variant.
Coding change: c.891A>G on transcript NM_000222.3 (MANE Select); coding-DNA position 891, A replaced by G.
Protein change: p.Gly297=; no amino-acid change (glycine 297 retained).
Molecular consequence: synonymous variant.
Genome position (GRCh38, 1-based): chr4:54,703,858, A>G. VCF-style: chr4-54703858-A-G. GRCh37 (hg19) VCF-style: chr4-55570024-A-G.
Other names: c.891A>G (NM_000222.2); c.891A>G, p.Gly297= (NM_001093772.2, NM_001385285.1, NM_001385286.1); c.894A>G, p.Gly298= (NM_001385284.1, NM_001385288.1, NM_001385290.1 and 1 more transcripts).
Identifiers: ClinVar variation 1053411 (VCV001053411.12), dbSNP rs776220729, ClinGen allele CA2923334.